The following is an entry in ClinVar:

ClinVar aggregate classification (germline): Benign. Review status: criteria provided, multiple submitters, no conflicts (2 of 4 stars). 6 submissions from 6 submitters: Benign (6). Last evaluated 2026-01-25.

Conditions:
Hereditary spastic paraplegia. Also called: Familial spastic paraparesis. Identifiers: Orphanet 685, MedGen C0037773, MONDO:0019064. Disease mechanism: loss of function.
Spastic paraplegia. Identifiers: MedGen C0037772, HP:0001258.

Allele frequency attached by ClinVar (database versions not stated): ExAC 0.00439; gnomAD 0.01321 and 0.01424; TOPMed 0.01461; ESP Exome Variant Server 0.01599; 1000 Genomes Project 0.01617; 1000 Genomes Project 30x 0.01749.
gnomAD v4.1: 3,876 of 1,614,110 alleles (0.24%); highest among the groups gnomAD compares: African/African-American, 4.6%; 79 homozygotes.

Submissions (6):

Labcorp Genetics (formerly Invitae), Labcorp
Classification: Benign for Spastic paraplegia. Last evaluated: 2026-01-25. Review status: criteria provided, single submitter. Criteria: Invitae Variant Classification Sherloc (09022015). Collection method: clinical testing. Allele origin: germline.

Mayo Clinic Laboratories, Mayo Clinic
Classification: Benign. Last evaluated: 2024-03-25. Review status: criteria provided, single submitter. Criteria: ACMG Guidelines, 2015. Collection method: clinical testing. Allele origin: germline. Observed: 12 variant alleles.
Comment: BS1, BS2

Genome Diagnostics Laboratory, The Hospital for Sick Children
Classification: Benign for Hereditary spastic paraplegia. Last evaluated: 2021-06-16. Review status: criteria provided, single submitter. Criteria: ACMG Guidelines, 2015. Collection method: clinical testing. Allele origin: germline. Affected: yes.

GeneDx
Classification: Benign. Last evaluated: 2017-12-01. Review status: criteria provided, single submitter. Criteria: GeneDx Variant Classification (06012015). Collection method: clinical testing. Allele origin: germline. Affected: yes.
Comment: This variant is considered likely benign or benign based on one or more of the following criteria: it is a conservative change, it occurs at a poorly conserved position in the protein, it is predicted to be benign by multiple in silico algorithms, and/or has population frequency not consistent with disease.

Center for Pediatric Genomic Medicine, Children's Mercy Hospital and Clinics
Classification: Benign. Last evaluated: 2017-07-26. Review status: criteria provided, single submitter. Criteria: ACMG Guidelines, 2015. Collection method: clinical testing. Allele origin: germline.

Breakthrough Genomics
Classification: Benign. Review status: criteria provided, single submitter. Criteria: ACMG Guidelines, 2015. Collection method: not provided. Allele origin: germline. Inheritance: Autosomal recessive inheritance. Affected: yes.

NM_020944.3(GBA2):c.1267G>A (p.Gly423Ser)

Gene: GBA2 (glucosylceramidase beta 2; minus strand). Cytogenetic location: 9p13.3.
Variant type: single nucleotide variant.
Coding change: c.1267G>A on transcript NM_020944.3 (MANE Select); coding-DNA position 1267, G replaced by A.
Protein change: p.Gly423Ser; replaces glycine 423 with serine.
Molecular consequence: missense variant.
Genome position (GRCh38, 1-based): chr9:35,740,225, C>T on the plus strand (G>A on the coding strand, the complement: GBA2 is on the minus strand). VCF-style: chr9-35740225-C-T. GRCh37 (hg19) VCF-style: chr9-35740222-C-T.
Other names: p.Gly423Ser; c.1267G>A, p.Gly423Ser (NM_001330660.2); short protein forms G423S.
Identifiers: ClinVar variation 416639 (VCV000416639.17), dbSNP rs79325774, ClinGen allele CA5050471.
Genomic context (GRCh38, chr9:35,740,225, plus strand): 5'-GAGCCCCAGCACTCTGGATCCTTACACTTTCTTGGTCCCCTCACCTGTAGTGGACTTGGC[C>T]TTTAGCTCCAAACATGATCCTGGGCATGTCCCAAGCCAGTGAAAACTCCAGGCGGCACTG-3'
Protein context (NP_065995.1, residues 413-433): DMPRIMFGAK[Gly423Ser]QVHYRRYTRF